The following is an entry in ClinVar:

ClinVar aggregate classification (germline): Uncertain significance (1 of 4 stars; one submission).

Submission:

Women's Health and Genetics/Laboratory Corporation of America, LabCorp
Classification: Uncertain significance. Last evaluated: 2024-07-11. Review status: criteria provided, single submitter. Criteria: LabCorp Variant Classification Summary - May 2015. Collection method: clinical testing. Allele origin: germline.
Comment: Variant summary: POU3F3 c.939C>G (p.Asp313Glu) results in a conservative amino acid change located in the POU-specific domain (IPR000327) of the encoded protein sequence. Four of five in-silico tools predict a benign effect of the variant on protein function. The variant was absent in 249058 control chromosomes. The available data on variant occurrences in the general population are insufficient to allow any conclusion about variant significance. To our knowledge, no occurrence of c.939C>G in individuals affected with Snijders Blok-Fisher Syndrome and no experimental evidence demonstrating its impact on protein function have been reported. No submitters have cited clinical-significance assessments for this variant to ClinVar. Based on the evidence outlined above, the variant was classified as uncertain significance.

NM_006236.3(POU3F3):c.939C>G (p.Asp313Glu)

Gene: POU3F3 (POU class 3 homeobox 3; plus strand). Cytogenetic location: 2q12.1.
Variant type: single nucleotide variant.
Coding change: c.939C>G on transcript NM_006236.3 (MANE Select); coding-DNA position 939, C replaced by G.
Protein change: p.Asp313Glu; replaces aspartic acid 313 with glutamic acid.
Molecular consequence: missense variant.
Genome position (GRCh38, 1-based): chr2:104,856,449, C>G. VCF-style: chr2-104856449-C-G. GRCh37 (hg19) VCF-style: chr2-105472907-C-G.
Other names: short protein forms D313E.
Identifiers: ClinVar variation 3338932 (VCV003338932.1).